The following is an entry in ClinVar:

NM_000038.6(APC):c.6706G>T (p.Val2236Phe)

Gene: APC (APC regulator of Wnt signaling pathway; plus strand). Cytogenetic location: 5q22.2.
Variant type: single nucleotide variant.
Coding change: c.6706G>T on transcript NM_000038.6 (MANE Select); coding-DNA position 6706, G replaced by T.
Protein change: p.Val2236Phe; replaces valine 2236 with phenylalanine.
Molecular consequence: missense variant. On other transcripts: non-coding transcript variant (2).
Genome position (GRCh38, 1-based): chr5:112,842,300, G>T. VCF-style: chr5-112842300-G-T. GRCh37 (hg19) VCF-style: chr5-112177997-G-T.
Other names: c.6706G>T, p.Val2236Phe (NM_001127510.3, NM_001354895.2, NM_001407450.1); c.6652G>T, p.Val2218Phe (NM_001127511.3); c.6760G>T, p.Val2254Phe (NM_001354896.2, NM_001407447.1, NM_001407448.1 and 1 more transcripts); c.6736G>T, p.Val2246Phe (NM_001354897.2); c.6631G>T, p.Val2211Phe (NM_001354898.2); c.6622G>T, p.Val2208Phe (NM_001354899.2); c.6583G>T, p.Val2195Phe (NM_001354900.2); c.6529G>T, p.Val2177Phe (NM_001354901.2, NM_001407453.1); and 11 more; short protein forms V2076F, V2107F, V2110F, V2208F, V2229F, V2236F, V2264F, V1953F.
Identifiers: ClinVar variation 2853256 (VCV002853256.3), dbSNP rs1766280994, ClinGen allele CA16035990.

ClinVar aggregate classification (germline): Uncertain significance (1 of 4 stars; one submission).

Conditions:
Familial adenomatous polyposis 1 (FAP1). Also called: FAMILIAL ADENOMATOUS POLYPOSIS 1, ATTENUATED; POLYPOSIS, ADENOMATOUS INTESTINAL. Identifiers: MedGen C2713442, MONDO:0021056, OMIM 175100. Disease mechanism: loss of function.

gnomAD v4.1: 3 of 1,613,904 alleles (0.00019%); highest among the groups gnomAD compares: Non-Finnish European, 0.00025%; no homozygotes.

Submission:

Labcorp Genetics (formerly Invitae), Labcorp
Classification: Uncertain significance for Familial adenomatous polyposis 1. Last evaluated: 2024-04-29. Review status: criteria provided, single submitter. Criteria: Invitae Variant Classification Sherloc (09022015). Collection method: clinical testing. Allele origin: germline.
Comment: This sequence change replaces valine, which is neutral and non-polar, with phenylalanine, which is neutral and non-polar, at codon 2236 of the APC protein (p.Val2236Phe). This variant is not present in population databases (gnomAD no frequency). This variant has not been reported in the literature in individuals affected with APC-related conditions. Advanced modeling of protein sequence and biophysical properties (such as structural, functional, and spatial information, amino acid conservation, physicochemical variation, residue mobility, and thermodynamic stability) performed at Invitae indicates that this missense variant is not expected to disrupt APC protein function with a negative predictive value of 95%. In summary, the available evidence is currently insufficient to determine the role of this variant in disease. Therefore, it has been classified as a Variant of Uncertain Significance.